The following is an entry in ClinVar:

NM_000179.3(MSH6):c.85C>G (p.Arg29Gly)

Gene: MSH6 (mutS homolog 6; plus strand). Cytogenetic location: 2p16.3.
Variant type: single nucleotide variant.
Coding change: c.85C>G on transcript NM_000179.3 (MANE Select); coding-DNA position 85, C replaced by G.
Protein change: p.Arg29Gly; replaces arginine 29 with glycine.
Molecular consequence: missense variant. On other transcripts: 5 prime UTR variant (1).
Genome position (GRCh38, 1-based): chr2:47,783,318, C>G. VCF-style: chr2-47783318-C-G. GRCh37 (hg19) VCF-style: chr2-48010457-C-G.
Other names: c.85C>G, p.Arg29Gly (NM_001281492.2); c.-652C>G (NM_001281493.2); short protein forms R29G.
Identifiers: ClinVar variation 525700 (VCV000525700.19), dbSNP rs756589186, ClinGen allele CA346734807.

ClinVar aggregate classification (germline): Uncertain significance. Review status: criteria provided, multiple submitters, no conflicts (2 of 4 stars). 4 submissions from 4 submitters: Uncertain significance (4). Last evaluated 2025-10-19.

Conditions:
Hereditary nonpolyposis colorectal neoplasms. Identifiers: MedGen C0009405, MeSH D003123.
Hereditary cancer-predisposing syndrome. Also called: Neoplastic Syndromes, Hereditary; Tumor predisposition; Hereditary Cancer Syndrome; Hereditary neoplastic syndrome. Identifiers: Orphanet 140162, MedGen C0027672, MeSH D009386, MONDO:0015356.
Lynch syndrome 5 (LYNCH5). Also called: Colorectal cancer, hereditary nonpolyposis, type 5; Hereditary non-polyposis colorectal cancer, type 5. Identifiers: Orphanet 144, MedGen C1833477, MONDO:0013710, OMIM 614350. Disease mechanism: loss of function.

Allele frequency attached by ClinVar (database versions not stated): gnomAD exomes below 0.00001.
gnomAD v4.1: 3 of 1,611,450 alleles (0.00019%); highest among the groups gnomAD compares: Non-Finnish European, 0.00025%; no homozygotes.

Submissions (4):

Labcorp Genetics (formerly Invitae), Labcorp
Classification: Uncertain significance for Hereditary nonpolyposis colorectal neoplasms. Last evaluated: 2025-10-19. Review status: criteria provided, single submitter. Criteria: Invitae Variant Classification Sherloc (09022015). Collection method: clinical testing. Allele origin: germline.
Comment: This sequence change replaces arginine, which is basic and polar, with glycine, which is neutral and non-polar, at codon 29 of the MSH6 protein (p.Arg29Gly). This variant is not present in population databases (gnomAD no frequency). This variant has not been reported in the literature in individuals affected with MSH6-related conditions. ClinVar contains an entry for this variant (Variation ID: 525700). Invitae Evidence Modeling of protein sequence and biophysical properties (such as structural, functional, and spatial information, amino acid conservation, physicochemical variation, residue mobility, and thermodynamic stability) indicates that this missense variant is not expected to disrupt MSH6 protein function with a negative predictive value of 95%. In summary, the available evidence is currently insufficient to determine the role of this variant in disease. Therefore, it has been classified as a Variant of Uncertain Significance.

Color Diagnostics, LLC DBA Color Health
Classification: Uncertain significance for Hereditary cancer-predisposing syndrome. Last evaluated: 2024-03-07. Review status: criteria provided, single submitter. Criteria: ACMG Guidelines, 2015. Collection method: clinical testing. Allele origin: germline.
Comment: This missense variant replaces arginine with glycine at codon 29 of the MSH6 protein. Computational prediction tool suggests that this variant may not impact protein structure and function (internally defined REVEL score threshold <=0.5, PMID: 27666373). Splice site prediction tools suggest that this variant may not impact RNA splicing. To our knowledge, functional studies have not been performed for this variant. This variant has not been reported in individuals affected with hereditary cancer in the literature. This variant has not been identified in the general population by the Genome Aggregation Database (gnomAD). The available evidence is insufficient to determine the role of this variant in disease conclusively. Therefore, this variant is classified as a Variant of Uncertain Significance.

St. Jude Molecular Pathology, St. Jude Children's Research Hospital
Classification: Uncertain significance for Lynch syndrome 5. Last evaluated: 2023-11-28. Review status: criteria provided, single submitter. Criteria: St. Jude Assertion Criteria 2020. Collection method: clinical testing. Allele origin: germline.
Comment: The MSH6 c.85C>G (p.Arg29Gly) missense change is absent in gnomAD v2.1.1. The in silico tool REVEL predicts a benign effect on protein function, but to our knowledge this prediction has not been confirmed by functional studies. To our knowledge, this variant has not been reported in individuals with Lynch syndrome or constitutional mismatch repair deficiency. In summary, the evidence currently available is insufficient to determine the clinical significance of this variant. It has therefore been classified as of uncertain significance.

Ambry Genetics
Classification: Uncertain significance for Hereditary cancer-predisposing syndrome. Last evaluated: 2023-05-31. Review status: criteria provided, single submitter. Criteria: Ambry Variant Classification Scheme 2023. Collection method: clinical testing. Allele origin: germline.
Comment: The p.R29G variant (also known as c.85C>G), located in coding exon 1 of the MSH6 gene, results from a C to G substitution at nucleotide position 85. The arginine at codon 29 is replaced by glycine, an amino acid with dissimilar properties. This amino acid position is not well conserved in available vertebrate species, and glycine is the reference amino acid in other vertebrate species. In addition, this alteration is predicted to be tolerated by in silico analysis. Since supporting evidence is limited at this time, the clinical significance of this alteration remains unclear.